The following is an entry in ClinVar:

ClinVar aggregate classification (germline): Uncertain significance (1 of 4 stars; one submission).

Conditions:
Naxos disease (NXD). Also called: KERATOSIS PALMOPLANTARIS WITH ARRHYTHMOGENIC CARDIOMYOPATHY; MAL DE NAXOS; PALMOPLANTAR KERATODERMA WITH ARRHYTHMOGENIC RIGHT VENTRICULAR CARDIOMYOPATHY AND WOOLLY HAIR; WOOLLY HAIR, PALMOPLANTAR KERATODERMA, AND CARDIAC ABNORMALITIES; CARDIOMYOPATHY, ARRHYTHMOGENIC RIGHT VENTRICULAR, WITH SKIN, HAIR, AND NAIL ABNORMALITIES. Identifiers: Orphanet 34217, MedGen C1832600, MONDO:0011017, OMIM 601214.
Arrhythmogenic right ventricular dysplasia 12. Also called: ARRHYTHMOGENIC RIGHT VENTRICULAR DYSPLASIA, FAMILIAL, 12. Identifiers: MedGen C1969081, MONDO:0012684, OMIM 611528.

Submission:

Labcorp Genetics (formerly Invitae), Labcorp
Classification: Uncertain significance for Arrhythmogenic right ventricular dysplasia 12; Naxos disease. Last evaluated: 2023-04-26. Review status: criteria provided, single submitter. Criteria: Invitae Variant Classification Sherloc (09022015). Collection method: clinical testing. Allele origin: germline.
Comment: In summary, the available evidence is currently insufficient to determine the role of this variant in disease. Therefore, it has been classified as a Variant of Uncertain Significance. An algorithm developed to predict the effect of missense changes on protein structure and function (PolyPhen-2) suggests that this variant is likely to be disruptive. This variant has not been reported in the literature in individuals affected with JUP-related conditions. This variant is not present in population databases (gnomAD no frequency). This sequence change replaces leucine, which is neutral and non-polar, with phenylalanine, which is neutral and non-polar, at codon 668 of the JUP protein (p.Leu668Phe).

NM_002230.4(JUP):c.2002C>T (p.Leu668Phe)

Gene: JUP (junction plakoglobin; minus strand). Cytogenetic location: 17q21.2.
Variant type: single nucleotide variant.
Coding change: c.2002C>T on transcript NM_002230.4 (MANE Select); coding-DNA position 2002, C replaced by T.
Protein change: p.Leu668Phe; replaces leucine 668 with phenylalanine.
Molecular consequence: missense variant.
Genome position (GRCh38, 1-based): chr17:41,757,459, G>A on the plus strand (C>T on the coding strand, the complement: JUP is on the minus strand). VCF-style: chr17-41757459-G-A. GRCh37 (hg19) VCF-style: chr17-39913711-G-A.
Other names: c.2002C>T, p.Leu668Phe (NM_001352773.2, NM_001352774.2, NM_001352775.2 and 3 more transcripts); short protein forms L668F.
Identifiers: ClinVar variation 2939224 (VCV002939224.3), dbSNP rs2544032374, ClinGen allele CA399491828.